The following is an entry in ClinVar:

NM_001366385.1(CARD14):c.1349C>T (p.Ser450Phe)

Gene: CARD14 (caspase recruitment domain family member 14; plus strand). Cytogenetic location: 17q25.3.
Variant type: single nucleotide variant.
Coding change: c.1349C>T on transcript NM_001366385.1 (MANE Select); coding-DNA position 1349, C replaced by T.
Protein change: p.Ser450Phe; replaces serine 450 with phenylalanine.
Molecular consequence: missense variant. On other transcripts: non-coding transcript variant (1).
Genome position (GRCh38, 1-based): chr17:80,192,612, C>T. VCF-style: chr17-80192612-C-T. GRCh37 (hg19) VCF-style: chr17-78166411-C-T.
Other names: c.1349C>T, p.Ser450Phe (NM_001257970.1, NM_024110.4); c.638C>T, p.Ser213Phe (NM_052819.3); short protein forms S450F, S213F.
Identifiers: ClinVar variation 2937151 (VCV002937151.3), dbSNP rs778834066, ClinGen allele CA8816767.

ClinVar aggregate classification (germline): Uncertain significance (1 of 4 stars; one submission).

Conditions:
Psoriasis 2. Identifiers: MedGen C1864497, MONDO:0011269, OMIM 602723.
Pityriasis rubra pilaris (PRP). Also called: Pityriasis rubra pilaris--familial type. Identifiers: Orphanet 2897, MedGen C0032027, MONDO:0100017, OMIM 173200, MONDO:0008251.

Allele frequency attached by ClinVar (database versions not stated): ExAC 0.00001; gnomAD 0.00001; gnomAD exomes 0.00001; TOPMed 0.00001.
gnomAD v4.1: 13 of 1,611,658 alleles (0.00081%); highest among the groups gnomAD compares: East Asian, 0.0067%; no homozygotes.

Submission:

Labcorp Genetics (formerly Invitae), Labcorp
Classification: Uncertain significance for Pityriasis rubra pilaris; Psoriasis 2. Last evaluated: 2025-09-24. Review status: criteria provided, single submitter. Criteria: Invitae Variant Classification Sherloc (09022015). Collection method: clinical testing. Allele origin: germline.
Comment: This sequence change replaces serine, which is neutral and polar, with phenylalanine, which is neutral and non-polar, at codon 450 of the CARD14 protein (p.Ser450Phe). This variant is present in population databases (rs778834066, gnomAD 0.01%). This variant has not been reported in the literature in individuals affected with CARD14-related conditions. ClinVar contains an entry for this variant (Variation ID: 2937151). Invitae Evidence Modeling of protein sequence and biophysical properties (such as structural, functional, and spatial information, amino acid conservation, physicochemical variation, residue mobility, and thermodynamic stability) indicates that this missense variant is not expected to disrupt CARD14 protein function with a negative predictive value of 95%. In summary, the available evidence is currently insufficient to determine the role of this variant in disease. Therefore, it has been classified as a Variant of Uncertain Significance.